The following is an entry in ClinVar:

NC_000005.10:g.(?_36877164)_(37064912_?)del

Genes: NIPBL (NIPBL cohesin loading factor; plus strand), LOC129993812 (ATAC-STARR-seq lymphoblastoid silent region 15976; plus strand). Cytogenetic location: 5p13.2.
Variant type: Deletion.
Identifiers: ClinVar variation 583693 (VCV000583693.1).

ClinVar aggregate classification (germline): Pathogenic (1 of 4 stars; one submission).

Conditions:
Cornelia de Lange syndrome 1 (CDLS1). Also called: TYPUS DEGENERATIVUS AMSTELODAMENSIS; NIPBL-Related Cornelia de Lange Syndrome; Brachmann de Lange syndrome. Identifiers: Orphanet 199, MedGen C4551851, MONDO:0007387, OMIM 122470.

Submission:

Labcorp Genetics (formerly Invitae), Labcorp
Classification: Pathogenic for Cornelia de Lange syndrome 1. Last evaluated: 2018-02-26. Review status: criteria provided, single submitter. Criteria: Invitae Variant Classification Sherloc (09022015). Collection method: clinical testing. Allele origin: germline.
Comment: A gross deletion of the genomic region encompassing the full coding sequence of the NIPBL gene has been identified. The boundaries of this event are unknown as the deletion extends beyond the assayed region for this gene and therefore may encompass additional genes. Isolated whole-gene deletions of NIPBL have not been reported in the literature. However, larger copy number events that include this gene have been reported (PMID: 23254390, 24689074). Loss-of-function variants in NIPBL are known to be pathogenic (PMID: 24038889). For these reasons, this variant has been classified as Pathogenic.

Literature cited by the submitters: PubMed 23254390; PubMed 24689074.